The following is an entry in ClinVar:

ClinVar aggregate classification (germline): Likely benign. Review status: criteria provided, multiple submitters, no conflicts (2 of 4 stars). 3 submissions from 3 submitters: Likely benign (3). Last evaluated 2026-01-20.

Allele frequency attached by ClinVar (database versions not stated): gnomAD 0.00009; gnomAD exomes 0.00018; TOPMed 0.00010; ExAC 0.00045.
gnomAD v4.1: 390 of 1,520,956 alleles (0.026%); highest among the groups gnomAD compares: Non-Finnish European, 0.032%; no homozygotes.

Submissions (3):

Labcorp Genetics (formerly Invitae), Labcorp
Classification: Likely benign. Last evaluated: 2026-01-20. Review status: criteria provided, single submitter. Criteria: Invitae Variant Classification Sherloc (09022015). Collection method: clinical testing. Allele origin: germline.

Blueprint Genetics
Classification: Likely benign. Last evaluated: 2024-11-21. Review status: criteria provided, single submitter. Criteria: ACMG Guidelines, 2015. Collection method: clinical testing. Allele origin: germline.

GeneDx
Classification: Likely benign. Last evaluated: 2017-08-14. Review status: criteria provided, single submitter. Criteria: GeneDx Variant Classification (06012015). Collection method: clinical testing. Allele origin: germline. Affected: yes.
Comment: This variant is considered likely benign or benign based on one or more of the following criteria: it is a conservative change, it occurs at a poorly conserved position in the protein, it is predicted to be benign by multiple in silico algorithms, and/or has population frequency not consistent with disease.

NM_001953.5(TYMP):c.1159+18C>A

Genes: SCO2 (synthesis of cytochrome C oxidase 2; minus strand), TYMP (thymidine phosphorylase; minus strand), LOC130067862 (ATAC-STARR-seq lymphoblastoid silent region 13986; plus strand). Cytogenetic location: 22q13.33.
Variant type: single nucleotide variant.
Coding change: c.1159+18C>A on transcript NM_001953.5 (MANE Select); 18 bases into the intron after coding-DNA position 1159, C replaced by A.
Molecular consequence: intron variant.
Genome position (GRCh38, 1-based): chr22:50,526,228, G>T on the plus strand (C>A on the coding strand, the complement: TYMP is on the minus strand). VCF-style: chr22-50526228-G-T. GRCh37 (hg19) VCF-style: chr22-50964657-G-T.
Other names: c.-14+18C>A (NM_001169109.2); c.1159+18C>A (NM_001257989.1, NM_001257988.1, NM_001113755.3 and 1 more transcripts).
Identifiers: ClinVar variation 516843 (VCV000516843.10), dbSNP rs753582974, ClinGen allele CA10321464.